The following is an entry in ClinVar:

NM_001127222.2(CACNA1A):c.4052G>A (p.Arg1351Gln)

Gene: CACNA1A (calcium voltage-gated channel subunit alpha1 A; minus strand). Cytogenetic location: 19p13.13.
Variant type: single nucleotide variant.
Coding change: c.4052G>A on transcript NM_001127222.2 (MANE Select); coding-DNA position 4052, G replaced by A.
Protein change: p.Arg1351Gln; replaces arginine 1351 with glutamine.
Molecular consequence: missense variant.
Genome position (GRCh38, 1-based): chr19:13,262,771, C>T on the plus strand (G>A on the coding strand, the complement: CACNA1A is on the minus strand). VCF-style: chr19-13262771-C-T. GRCh37 (hg19) VCF-style: chr19-13373585-C-T.
Other names: c.4064G>A, p.Arg1355Gln (NM_000068.4, NM_023035.3); c.4055G>A, p.Arg1352Gln (NM_001127221.2, NM_001174080.2); short protein forms R1355Q, R1351Q, R1352Q.
Identifiers: ClinVar variation 971813 (VCV000971813.28), dbSNP rs1555745467, ClinGen allele CA404339986.

ClinVar aggregate classification (germline): Pathogenic/Likely pathogenic. Review status: criteria provided, multiple submitters, no conflicts (2 of 4 stars). 11 submissions from 11 submitters: Pathogenic (9); Likely pathogenic (1). 1 of the submissions does not count toward it. Last evaluated 2026-02-01.

Conditions:
CACNA1A-related disorder. Also called: CACNA1A-related condition.
Inborn genetic diseases. Identifiers: MedGen C0950123, MeSH D030342.
Episodic ataxia type 2 (EA2). Also called: ACETAZOLAMIDE-RESPONSIVE HEREDITARY PAROXYSMAL CEREBELLAR ATAXIA; CEREBELLAR ATAXIA, PAROXYSMAL, ACETAZOLAMIDE-RESPONSIVE; CEREBELLOPATHY, HEREDITARY PAROXYSMAL; EPISODIC ATAXIA, NYSTAGMUS-ASSOCIATED; ATAXIA, EPISODIC, WITH NYSTAGMUS; ATAXIA, FAMILIAL PAROXYSMAL. Identifiers: Orphanet 97, MedGen C1720416, MONDO:0007163, OMIM 108500.
Developmental and epileptic encephalopathy, 42 (DEE42A). Also called: Epileptic encephalopathy, early infantile, 42; DEVELOPMENTAL AND EPILEPTIC ENCEPHALOPATHY 42A; EPILEPTIC ENCEPHALOPATHY, EARLY INFANTILE, 42A. Identifiers: MedGen C4310716, MONDO:0014917, OMIM 617106.
Paroxysmal central nervous system disorders.
Spinocerebellar ataxia type 6 (SCA6). Identifiers: Orphanet 98758, MedGen C0752124, MONDO:0008457, OMIM 183086.
Migraine, familial hemiplegic, 1. Also called: MIGRAINE, FAMILIAL HEMIPLEGIC 1, WITH PROGRESSIVE CEREBELLAR ATAXIA. Identifiers: Orphanet 569, MedGen C1832884, MONDO:0020756, OMIM 141500, MONDO:0007714.
Developmental and epileptic encephalopathy, 52 (DEE52). Also called: Epileptic encephalopathy, early infantile, 52. Identifiers: MedGen C4479236, MONDO:0033361, OMIM 617350.

Submissions (11):

CeGaT Center for Human Genetics Tuebingen
Classification: Pathogenic. Last evaluated: 2026-02-01. Review status: criteria provided, single submitter. Criteria: CeGaT Center For Human Genetics Tuebingen Variant Classification Criteria Version 2. Collection method: clinical testing. Allele origin: germline. Affected: yes. Observed: 1 variant allele.
Comment: CACNA1A: PS4, PM2, PS2:Moderate, PP2, PP3

Labcorp Genetics (formerly Invitae), Labcorp
Classification: Pathogenic for Developmental and epileptic encephalopathy, 42; Episodic ataxia type 2. Last evaluated: 2025-09-16. Review status: criteria provided, single submitter. Criteria: Invitae Variant Classification Sherloc (09022015). Collection method: clinical testing. Allele origin: germline.
Comment: This sequence change replaces arginine, which is basic and polar, with glutamine, which is neutral and polar, at codon 1352 of the CACNA1A protein (p.Arg1352Gln). This variant is not present in population databases (gnomAD no frequency). This missense change has been observed in individual(s) with CACNA1A-related conditions (PMID: 28007337, 29997391, 33425808). In at least one individual the variant was observed to be de novo. ClinVar contains an entry for this variant (Variation ID: 971813). Invitae Evidence Modeling of protein sequence and biophysical properties (such as structural, functional, and spatial information, amino acid conservation, physicochemical variation, residue mobility, and thermodynamic stability) indicates that this missense variant is expected to disrupt CACNA1A protein function with a positive predictive value of 95%. For these reasons, this variant has been classified as Pathogenic.

Cambridge Genomics Laboratory, East Genomic Laboratory Hub, NHS Genomic Medicine Service
Classification: Pathogenic for Paroxysmal central nervous system disorders. Last evaluated: 2025-06-13. Review status: criteria provided, single submitter. Criteria: ACGS Best Practice Guidelines for Variant Classification in Rare Disease 2020. Collection method: clinical testing. Allele origin: germline. Affected: yes.
Comment: PS2,PS4_Moderate,PM1,PM2,PP2,PP3

3billion
Classification: Pathogenic for Developmental and epileptic encephalopathy, 42. Last evaluated: 2025-01-06. Review status: criteria provided, single submitter. Criteria: ACMG Guidelines, 2015. Collection method: clinical testing. Allele origin: germline. Affected: yes.
Comment: The variant is not observed in the gnomAD v4.1.0 dataset. Predicted Consequence/Location: Missense variant In silico tool predictions suggest damaging effect of the variant on gene or gene product [REVEL: 0.98 (>=0.6, sensitivity 0.68 and specificity 0.92); 3Cnet: 0.97 (>=0.6, sensitivity 0.72 and precision 0.9)]. The same nucleotide change resulting in the same amino acid change has been previously reported as pathogenic/likely pathogenic with strong evidence (ClinVar ID: VCV000971813 /PMID: 29997391 /3billion dataset). The variant has been previously reported as de novo in a similarly affected individual (PMID: 29997391). A different missense change at the same codon (p.Arg1351Leu) has been reported as pathogenic/likely pathogenic with strong evidence (ClinVar ID: VCV000450236). Therefore, this variant is classified as Pathogenic (PS1_S, PS2_S, PM2_M, PM5_M, PP3_P) according to the recommendation of ACMG/AMP guideline.

Greenwood Genetic Center Diagnostic Laboratories, Greenwood Genetic Center
Classification: Pathogenic for CACNA1A-related disorder. Last evaluated: 2024-07-26. Review status: criteria provided, single submitter. Criteria: ACMG Guidelines, 2015. Collection method: clinical testing. Allele origin: germline. Affected: yes.
Comment: PS2, PS4, PM2, PP2, PP3

Institute of Human Genetics, University of Leipzig Medical Center
Classification: Pathogenic for Developmental and epileptic encephalopathy, 42. Last evaluated: 2024-04-15. Review status: criteria provided, single submitter. Criteria: ACMG Guidelines, 2015. Collection method: clinical testing. Allele origin: unknown. Inheritance: Autosomal dominant inheritance. Affected: yes.
Comment: Criteria applied: PS2,PS4,PM2_SUP,PM5_SUP,PP2,PP3

GeneDx
Classification: Pathogenic. Last evaluated: 2023-07-28. Review status: criteria provided, single submitter. Criteria: GeneDx Variant Classification Process June 2021. Collection method: clinical testing. Allele origin: germline. Affected: yes.
Comment: Not observed at significant frequency in large population cohorts (gnomAD); In silico analysis supports that this missense variant has a deleterious effect on protein structure/function; This variant is associated with the following publications: (PMID: 34356170, 34758253, 33163565, 29997391, 34806130, 33790770, 33425808, 28007337)

Ambry Genetics
Classification: Pathogenic for Inborn genetic diseases. Last evaluated: 2023-04-14. Review status: criteria provided, single submitter. Criteria: Ambry Variant Classification Scheme 2023. Collection method: clinical testing. Allele origin: germline.
Comment: The c.4055G>A (p.R1352Q) alteration is located in exon 25 (coding exon 25) of the CACNA1A gene. This alteration results from a G to A substitution at nucleotide position 4055, causing the arginine (R) at amino acid position 1352 to be replaced by a glutamine (Q)._x000D_ _x000D_ Based on the available evidence, the CACNA1A c.4055G>A (p.R1352Q) alteration is classified as pathogenic for CACNA1A-related neurologic disorders; however, it is unlikely to be causative of CACNA1A-related spinocerebellar ataxia and its clinical significance for episodic ataxia type 2 is unclear. This variant was not reported in population-based cohorts in the Genome Aggregation Database (gnomAD). This variant has been determined to be the result of a de novo mutation in multiple individuals with features consistent with CACNA1A-related neurologic disorders (Travaglini, 2017; Valence, 2018; Gauquelin, 2020; Humbertclaude, 2020; Zhang, 2020; Stubberud, 2021; Valentino, 2021). This amino acid position is highly conserved in available vertebrate species. This missense alteration is located in a region that has a low rate of benign missense variation (Lek, 2016; Firth, 2009). This alteration is predicted to be deleterious by in silico analysis. Based on the available evidence, this alteration is classified as pathogenic.

Wendy Chung Laboratory, Boston Children's Hospital
Classification: Likely pathogenic for Developmental and epileptic encephalopathy, 52; Episodic ataxia type 2; Migraine, familial hemiplegic, 1; Spinocerebellar ataxia type 6. Last evaluated: 2022-03-20. Review status: criteria provided, single submitter. Criteria: ACMG Guidelines, 2015. Collection method: clinical testing. Allele origin: de novo. Affected: yes.

Victorian Clinical Genetics Services, Murdoch Childrens Research Institute
Classification: Pathogenic for Developmental and epileptic encephalopathy, 42. Last evaluated: 2020-05-26. Review status: criteria provided, single submitter. Criteria: ACMG Guidelines, 2015. Collection method: clinical testing. Allele origin: germline. Inheritance: Autosomal dominant inheritance. Affected: yes.
Comment: Based on the classification scheme VCGS_Germline_v1.1.1, this variant is classified as Pathogenic. Following criteria are met: 0103 - Both loss- and gain-of-function are known mechanisms of disease for this gene. (N) 0107 - This gene is known to be associated with autosomal dominant disease. (N) 0200 - Variant is predicted to result in a missense amino acid change from arginine to glutamine (exon 25). (N) 0251 - Variant is heterozygous. (N) 0301 - Variant is absent from gnomAD. (P) 0501 - Missense variant consistently predicted to be damaging by multiple in silico tools or highly conserved with a major amino acid change. (P) 0601 - Variant affects at least one well-established (essential) functional domain or motif. The altered amino acid has been described as functionally-important in the voltage-sensing region of CACNA1A protein (PMID:18597946). (P) 0704 - Comparable variant has low previous evidence for pathogenicity. An alternative change to a leucine, p.(R1352L), has been reported as likely pathogenic in ClinVar. (P) 0801 - Strong previous evidence of pathogenicity in unrelated individuals. This variant has been reported in patients with CACNA1A-related disorders, or seizures and global developmental delay, including de novo in 2 of the patients (VCGS, Deciphering Developmental Disorders (DDD) Study, PMID:31115040). (P) 0905 - No segregation evidence has been identified for this variant. (N) 1007 - No published functional evidence has been identified for this variant. (N) 1208 - Inheritance information for this variant is not currently available. (N) Legend: (P) - Pathogenic, (N) - Neutral, (B) - Benign

Genomics England Pilot Project, Genomics England
Classification: Likely pathogenic for Spinocerebellar ataxia type 6. Review status: no assertion criteria provided. Criteria: ACGS Guidelines, 2016. Collection method: clinical testing. Allele origin: germline. Affected: yes. Not counted in ClinVar's aggregate classification.

Literature cited by the submitters: PubMed 28007337 (cited by Labcorp Genetics (formerly Invitae), Labcorp and Ambry Genetics); PubMed 29997391 (cited by 3 submitters); PubMed 33425808 (cited by Labcorp Genetics (formerly Invitae), Labcorp and Ambry Genetics); PubMed 31115040 (cited by Ambry Genetics and Victorian Clinical Genetics Services, Murdoch Childrens Research Institute); PubMed 33163565 (cited by Ambry Genetics); PubMed 33790770 (cited by Ambry Genetics); PubMed 34356170 (cited by Ambry Genetics); PubMed 18597946 (cited by Victorian Clinical Genetics Services, Murdoch Childrens Research Institute).